The following is an entry in ClinVar:

ClinVar aggregate classification (germline): Likely pathogenic (1 of 4 stars; one submission).

Conditions:
BHLHE22-related disorder.

Submission:

Sherr lab, University of California San Francisco
Classification: Likely pathogenic for BHLHE22-related disorder. Last evaluated: 2026-03-30. Review status: criteria provided, single submitter. Criteria: Le et al. (medRxiv. 2024). Collection method: clinical testing. Allele origin: de novo. Inheritance: Autosomal dominant inheritance. Affected: yes. Observed: 2 variant alleles, 2 heterozygotes. Clinical features observed: Corpus callosum, agenesis of (HP:0001274).
Comment: The p.Met255Arg variant in BHLHE22 has been identified de novo in two unrelated individuals presenting with corpus callosum abnormalities and severe developmental delay. In both cases, the variant was absent in the parents, supporting a de novo origin. The variant is not reported in large population databases, consistent with rarity. Taken together, the recurrence of the same de novo variant in unrelated affected individuals, its absence from population datasets, and its concordance phenotype support classification of p.Met255Arg as likely pathogenic.

NM_152414.5(BHLHE22):c.764T>G (p.Met255Arg)

Genes: BHLHE22 (basic helix-loop-helix family member e22; plus strand), BHLHE22-AS1 (BHLHE22 antisense RNA 1; minus strand). Cytogenetic location: 8q12.3.
Variant type: single nucleotide variant.
Coding change: c.764T>G on transcript NM_152414.5 (MANE Select); coding-DNA position 764, T replaced by G.
Protein change: p.Met255Arg; replaces methionine 255 with arginine.
Molecular consequence: missense variant.
Genome position (GRCh38, 1-based): chr8:64,581,554, T>G. VCF-style: chr8-64581554-T-G. GRCh37 (hg19) VCF-style: chr8-65494111-T-G.
Other names: short protein forms M255R.
Identifiers: ClinVar variation 4819976 (VCV004819976.1).